The following is an entry in ClinVar:

NM_001330288.2(SMARCC2):c.832A>C (p.Thr278Pro)

Gene: SMARCC2 (SWI/SNF related BAF chromatin remodeling complex subunit C2; minus strand). Cytogenetic location: 12q13.2.
Variant type: single nucleotide variant.
Coding change: c.832A>C on transcript NM_001330288.2 (MANE Select); coding-DNA position 832, A replaced by C.
Protein change: p.Thr278Pro; replaces threonine 278 with proline.
Molecular consequence: missense variant.
Genome position (GRCh38, 1-based): chr12:56,181,712, T>G on the plus strand (A>C on the coding strand, the complement: SMARCC2 is on the minus strand). VCF-style: chr12-56181712-T-G. GRCh37 (hg19) VCF-style: chr12-56575496-T-G.
Other names: c.832A>C, p.Thr278Pro (NM_001130420.3, NM_003075.5, NM_139067.4); short protein forms T278P.
Identifiers: ClinVar variation 2743667 (VCV002743667.3), dbSNP rs1876245632, ClinGen allele CA385353596.
Genomic context (GRCh38, chr12:56,181,712, plus strand): 5'-GTTCTGAGACTTATGCTAAGGGCGCCAGGAAAAAAAGAACAGGATTTGTCACCTCATCTG[T>G]CAGTGTCTTGGCTGAAATCTTCTTTCGGCGGGAGACAGGGTTTTTGTCATCATTTACTTC-3'
Protein context (NP_001317217.1, residues 268-288): RRKKISAKTL[Thr278Pro]DEVNSPDSDR

ClinVar aggregate classification (germline): Uncertain significance (1 of 4 stars; one submission).

Submission:

Labcorp Genetics (formerly Invitae), Labcorp
Classification: Uncertain significance. Last evaluated: 2023-07-16. Review status: criteria provided, single submitter. Criteria: Invitae Variant Classification Sherloc (09022015). Collection method: clinical testing. Allele origin: germline.
Comment: In summary, the available evidence is currently insufficient to determine the role of this variant in disease. Therefore, it has been classified as a Variant of Uncertain Significance. An algorithm developed to predict the effect of missense changes on protein structure and function (PolyPhen-2) suggests that this variant is likely to be disruptive. This variant has not been reported in the literature in individuals affected with SMARCC2-related conditions. This variant is not present in population databases (gnomAD no frequency). This sequence change replaces threonine, which is neutral and polar, with proline, which is neutral and non-polar, at codon 278 of the SMARCC2 protein (p.Thr278Pro).